The following is an entry in ClinVar:

NM_000179.3(MSH6):c.2979A>C (p.Glu993Asp)

Gene: MSH6 (mutS homolog 6; plus strand). Cytogenetic location: 2p16.3.
Variant type: single nucleotide variant.
Coding change: c.2979A>C on transcript NM_000179.3 (MANE Select); coding-DNA position 2979, A replaced by C.
Protein change: p.Glu993Asp; replaces glutamic acid 993 with aspartic acid.
Molecular consequence: missense variant. On other transcripts: non-coding transcript variant (5), intron variant (2).
Genome position (GRCh38, 1-based): chr2:47,800,962, A>C. VCF-style: chr2-47800962-A-C. GRCh37 (hg19) VCF-style: chr2-48028101-A-C.
Other names: c.2589A>C, p.Glu863Asp (NM_001281492.2); c.2073A>C, p.Glu691Asp (NM_001281493.2, NM_001281494.2, NM_001406811.1 and 6 more transcripts); c.3075A>C, p.Glu1025Asp (NM_001406795.1, NM_001406802.1); c.2979A>C, p.Glu993Asp (NM_001406796.1, NM_001406798.1, NM_001406800.1 and 2 more transcripts); c.2682A>C, p.Glu894Asp (NM_001406797.1, NM_001406801.1, NM_001406805.1 and 10 more transcripts); c.2454A>C, p.Glu818Asp (NM_001406799.1, NM_001406806.1, NM_001406807.1); c.2901A>C, p.Glu967Asp (NM_001406804.1); c.2985A>C, p.Glu995Asp (NM_001406813.1); and 4 more; short protein forms E1025D, E308D, E691D, E818D, E863D, E894D, E937D, E967D.
Identifiers: ClinVar variation 4800221 (VCV004800221.1).

ClinVar aggregate classification (germline): Uncertain significance (1 of 4 stars; one submission).

Conditions:
Hereditary nonpolyposis colorectal neoplasms. Identifiers: MedGen C0009405, MeSH D003123.

Submission:

Labcorp Genetics (formerly Invitae), Labcorp
Classification: Uncertain significance for Hereditary nonpolyposis colorectal neoplasms. Last evaluated: 2025-09-11. Review status: criteria provided, single submitter. Criteria: Invitae Variant Classification Sherloc (09022015). Collection method: clinical testing. Allele origin: germline.
Comment: This sequence change replaces glutamic acid, which is acidic and polar, with aspartic acid, which is acidic and polar, at codon 993 of the MSH6 protein (p.Glu993Asp). This variant is not present in population databases (gnomAD no frequency). This variant has not been reported in the literature in individuals affected with MSH6-related conditions. Invitae Evidence Modeling of protein sequence and biophysical properties (such as structural, functional, and spatial information, amino acid conservation, physicochemical variation, residue mobility, and thermodynamic stability) indicates that this missense variant is not expected to disrupt MSH6 protein function with a negative predictive value of 95%. In summary, the available evidence is currently insufficient to determine the role of this variant in disease. Therefore, it has been classified as a Variant of Uncertain Significance.